The following is an entry in ClinVar:

ClinVar aggregate classification (germline): Uncertain significance (1 of 4 stars; one submission).

gnomAD v4.1: 1 of 1,492,712 alleles (0.000067%); highest among the groups gnomAD compares: South Asian, 0.0013%; no homozygotes.

Submission:

Labcorp Genetics (formerly Invitae), Labcorp
Classification: Uncertain significance. Last evaluated: 2021-10-20. Review status: criteria provided, single submitter. Criteria: Invitae Variant Classification Sherloc (09022015). Collection method: clinical testing. Allele origin: germline.
Comment: In summary, the available evidence is currently insufficient to determine the role of this variant in disease. Therefore, it has been classified as a Variant of Uncertain Significance. Algorithms developed to predict the effect of missense changes on protein structure and function output the following: SIFT: "Deleterious"; PolyPhen-2: "Benign"; Align-GVGD: "Class C0". The cysteine amino acid residue is found in multiple mammalian species, which suggests that this missense change does not adversely affect protein function. This variant has not been reported in the literature in individuals affected with LMNB1-related conditions. This variant is not present in population databases (gnomAD no frequency). This sequence change replaces arginine, which is basic and polar, with cysteine, which is neutral and slightly polar, at codon 98 of the LMNB1 protein (p.Arg98Cys).

NM_005573.4(LMNB1):c.292C>T (p.Arg98Cys)

Gene: LMNB1 (lamin B1; plus strand). Cytogenetic location: 5q23.2.
Variant type: single nucleotide variant.
Coding change: c.292C>T on transcript NM_005573.4 (MANE Select); coding-DNA position 292, C replaced by T.
Protein change: p.Arg98Cys; replaces arginine 98 with cysteine.
Molecular consequence: missense variant. On other transcripts: non-coding transcript variant (1), intron variant (1).
Genome position (GRCh38, 1-based): chr5:126,777,800, C>T. VCF-style: chr5-126777800-C-T. GRCh37 (hg19) VCF-style: chr5-126113492-C-T.
Other names: c.-272+556C>T (NM_001198557.2); short protein forms R98C.
Identifiers: ClinVar variation 1388273 (VCV001388273.6), dbSNP rs1029242875, ClinGen allele CA360725826.